The following is an entry in ClinVar:

NM_002709.3(PPP1CB):c.145C>A (p.Pro49Thr)

Gene: PPP1CB (protein phosphatase 1 catalytic subunit beta; plus strand). Cytogenetic location: 2p23.2.
Variant type: single nucleotide variant.
Coding change: c.145C>A on transcript NM_002709.3 (MANE Select); coding-DNA position 145, C replaced by A.
Protein change: p.Pro49Thr; replaces proline 49 with threonine.
Molecular consequence: missense variant.
Genome position (GRCh38, 1-based): chr2:28,776,943, C>A. VCF-style: chr2-28776943-C-A. GRCh37 (hg19) VCF-style: chr2-28999809-C-A.
Other names: c.145C>A, p.Pro49Thr (NM_206876.2); short protein forms P49T.
Identifiers: ClinVar variation 2504232 (VCV002504232.1), dbSNP rs2465724563, ClinGen allele CA346581091.
Genomic context (GRCh38, chr2:28,776,943, plus strand): 5'-ATGACTGAAGCAGAAGTTCGAGGCTTATGTATCAAGTCTCGGGAGATCTTTCTCAGCCAG[C>A]CTATTCTTTTGGAATTGGAAGCACCGCTGAAAATTTGTGGTATGTAAATGGGTAAAGTTG-3'
Protein context (NP_002700.1, residues 39-59): IKSREIFLSQ[Pro49Thr]ILLELEAPLK

ClinVar aggregate classification (germline): Uncertain significance (1 of 4 stars; one submission).

Submission:

GeneDx
Classification: Uncertain significance. Last evaluated: 2022-11-28. Review status: criteria provided, single submitter. Criteria: GeneDx Variant Classification Process June 2021. Collection method: clinical testing. Allele origin: germline. Affected: yes.
Comment: Not observed at significant frequency in large population cohorts (gnomAD); In silico analysis supports that this missense variant has a deleterious effect on protein structure/function; Has not been previously published as pathogenic or benign to our knowledge; This variant is associated with the following publications: (PMID: 27681385, 27264673, 27868344, 28211982)